The following is an entry in ClinVar:

NC_000005.10:g.39331792G>A

Gene: C9 (complement C9; minus strand). Cytogenetic location: 5p13.1.
Variant type: single nucleotide variant.
Genome position: GRCh38 VCF-style: chr5-39331792-G-A. GRCh37 (hg19) VCF-style: chr5-39331894-G-A.
Other names: C9, PRO167SER (rs34882957); P167S; c.499C>T (NM_001737.5).
Identifiers: ClinVar variation 92120 (VCV000092120.35), dbSNP rs34882957, ClinGen allele CA145506.

ClinVar aggregate classification (germline): Likely benign. Review status: criteria provided, multiple submitters, no conflicts (2 of 4 stars). 6 submissions from 6 submitters: Likely benign (5). 1 of the submissions does not count toward it. Last evaluated 2026-08-01.

Conditions:
Age related macular degeneration 15. Also called: MACULAR DEGENERATION, AGE-RELATED, 15, SUSCEPTIBILITY TO. Identifiers: MedGen C3810042, MONDO:0014266, OMIM 615591.

Allele frequency attached by ClinVar (database versions not stated): 1000 Genomes Project 30x 0.00172; 1000 Genomes Project 0.00180; ExAC 0.00471; gnomAD exomes 0.00519 and 0.00797; TOPMed 0.00548; gnomAD 0.00592 and 0.00618; ESP Exome Variant Server 0.00600.
gnomAD v4.1: 12,404 of 1,612,936 alleles (0.77%); highest among the groups gnomAD compares: Non-Finnish European, 0.95%; 66 homozygotes.

Submissions (6):

CeGaT Center for Human Genetics Tuebingen
Classification: Likely benign. Last evaluated: 2026-08-01. Review status: criteria provided, single submitter. Criteria: CeGaT Center For Human Genetics Tuebingen Variant Classification Criteria Version 2. Collection method: clinical testing. Allele origin: germline. Affected: yes. Observed: 2 variant alleles.
Comment: C9: BS2

Labcorp Genetics (formerly Invitae), Labcorp
Classification: Likely benign. Last evaluated: 2026-02-01. Review status: criteria provided, single submitter. Criteria: Invitae Variant Classification Sherloc (09022015). Collection method: clinical testing. Allele origin: germline.

Women's Health and Genetics/Laboratory Corporation of America, LabCorp
Classification: Likely benign. Last evaluated: 2026-01-30. Review status: criteria provided, single submitter. Criteria: LabCorp Variant Classification Summary - May 2015. Collection method: clinical testing. Allele origin: germline.
Comment: Variant summary: C9 c.499C>T (p.Pro167Ser) results in a non-conservative amino acid change in the encoded protein sequence. Algorithms developed to predict the effect of missense changes on protein structure and function are either unavailable or do not agree on the potential impact of this missense change. The variant allele was found at a frequency of 0.0052 in 251480 control chromosomes in the gnomAD database, including 5 homozygotes. The observed variant frequency exceeds the estimated maximal expected allele frequency for disease-causing variants in C9. To our knowledge, no experimental evidence demonstrating its impact on protein function has been reported. ClinVar contains an entry for this variant (Variation ID: 92120). Based on the evidence outlined above, the variant was classified as likely benign.

Mayo Clinic Laboratories, Mayo Clinic
Classification: Likely benign. Last evaluated: 2025-09-16. Review status: criteria provided, single submitter. Criteria: ACMG Guidelines, 2015. Collection method: clinical testing. Allele origin: germline. Observed: 1 variant allele.
Comment: BS1, BS4_supporting, BP4, PP1, PS3_supporting

Breakthrough Genomics
Classification: Likely benign. Review status: criteria provided, single submitter. Criteria: ACMG Guidelines, 2015. Collection method: not provided. Allele origin: germline. Inheritance: Autosomal dominant inheritance. Affected: yes.

OMIM
Classification: risk factor for MACULAR DEGENERATION, AGE-RELATED, 15, SUSCEPTIBILITY TO. Last evaluated: 2013-11-01. Review status: no assertion criteria provided. Collection method: literature only. Allele origin: germline. Not counted in ClinVar's aggregate classification.

Literature cited by the submitters: PubMed 24036952 (cited by Mayo Clinic Laboratories, Mayo Clinic and OMIM); PubMed 26767664 (cited by Mayo Clinic Laboratories, Mayo Clinic); PubMed 28011711 (cited by Mayo Clinic Laboratories, Mayo Clinic); PubMed 29148534 (cited by Mayo Clinic Laboratories, Mayo Clinic); PubMed 29410599 (cited by Mayo Clinic Laboratories, Mayo Clinic); PubMed 29767720 (cited by Mayo Clinic Laboratories, Mayo Clinic); PubMed 32246154 (cited by Mayo Clinic Laboratories, Mayo Clinic); PubMed 33783477 (cited by Mayo Clinic Laboratories, Mayo Clinic); PubMed 37466676 (cited by Mayo Clinic Laboratories, Mayo Clinic); PubMed 38096369 (cited by Mayo Clinic Laboratories, Mayo Clinic).